The following is an entry in ClinVar:

ClinVar aggregate classification (germline): Uncertain significance (1 of 4 stars; one submission).

Conditions:
Baller-Gerold syndrome (BGS). Also called: CRANIOSYNOSTOSIS WITH RADIAL DEFECTS. Identifiers: Orphanet 1225, MedGen C0265308, MONDO:0009039, OMIM 218600.

Allele frequency attached by ClinVar (database versions not stated): gnomAD exomes below 0.00001.
gnomAD v4.1: 1 of 1,605,932 alleles (0.000062%); highest among the groups gnomAD compares: South Asian, 0.0011%; no homozygotes.

Submission:

Labcorp Genetics (formerly Invitae), Labcorp
Classification: Uncertain significance for Baller-Gerold syndrome. Last evaluated: 2018-08-30. Review status: criteria provided, single submitter. Criteria: Invitae Variant Classification Sherloc (09022015). Collection method: clinical testing. Allele origin: germline.
Comment: This sequence change replaces methionine with valine at codon 776 of the RECQL4 protein (p.Met776Val). The methionine residue is highly conserved and there is a small physicochemical difference between methionine and valine. This variant is not present in population databases (ExAC no frequency). This variant has not been reported in the literature in individuals with RECQL4-related disease. Algorithms developed to predict the effect of missense changes on protein structure and function are either unavailable or do not agree on the potential impact of this missense change (SIFT: Deleterious; PolyPhen-2: Not Available; Align-GVGD: Class C1). In summary, the available evidence is currently insufficient to determine the role of this variant in disease. Therefore, it has been classified as a Variant of Uncertain Significance. 5

NM_004260.4(RECQL4):c.2326A>G (p.Met776Val)

Gene: RECQL4 (RecQ like helicase 4; minus strand). Cytogenetic location: 8q24.3.
Variant type: single nucleotide variant.
Coding change: c.2326A>G on transcript NM_004260.4 (MANE Select); coding-DNA position 2326, A replaced by G.
Protein change: p.Met776Val; replaces methionine 776 with valine.
Molecular consequence: missense variant.
Genome position (GRCh38, 1-based): chr8:144,513,355, T>C on the plus strand (A>G on the coding strand, the complement: RECQL4 is on the minus strand). VCF-style: chr8-144513355-T-C. GRCh37 (hg19) VCF-style: chr8-145738738-T-C.
Other names: short protein forms M776V.
Identifiers: ClinVar variation 1054896 (VCV001054896.1), dbSNP rs1406170971, ClinGen allele CA372678343.